The following is an entry in ClinVar:

ClinVar aggregate classification (germline): Conflicting classifications of pathogenicity. Review status: criteria provided, conflicting classifications (1 of 4 stars). 7 submissions from 7 submitters: Uncertain significance (1); Benign (1); Likely benign (4). 1 of the submissions does not count toward it. Last evaluated 2025-09-01.

Conditions:
NLRP12-related disorder. Also called: NLRP12-related condition; NLRP12-related conditions.
Familial cold autoinflammatory syndrome 2 (FCAS2). Identifiers: Orphanet 247868, MedGen C2673198, MONDO:0012724, OMIM 611762.
Autoinflammatory syndrome. Identifiers: Orphanet 93665, MedGen C3890737, MONDO:0019751.
Inborn genetic diseases. Identifiers: MedGen C0950123, MeSH D030342.

Allele frequency attached by ClinVar (database versions not stated): gnomAD 0.00004 and 0.00008; TOPMed 0.00006; gnomAD exomes 0.00018 and 0.00033; ExAC 0.00032.
gnomAD v4.1: 277 of 1,614,026 alleles (0.017%); highest among the groups gnomAD compares: Middle Eastern, 0.23%; 4 homozygotes.

Submissions (7):

CeGaT Center for Human Genetics Tuebingen
Classification: Likely benign. Last evaluated: 2025-09-01. Review status: criteria provided, single submitter. Criteria: CeGaT Center For Human Genetics Tuebingen Variant Classification Criteria Version 2. Collection method: clinical testing. Allele origin: germline. Affected: yes. Observed: 1 variant allele.
Comment: NLRP12: BS1

Labcorp Genetics (formerly Invitae), Labcorp
Classification: Likely benign for Familial cold autoinflammatory syndrome 2. Last evaluated: 2025-04-14. Review status: criteria provided, single submitter. Criteria: Invitae Variant Classification Sherloc (09022015). Collection method: clinical testing. Allele origin: germline.

Blueprint Genetics
Classification: Likely benign. Last evaluated: 2024-07-15. Review status: criteria provided, single submitter. Criteria: ACMG Guidelines, 2015. Collection method: clinical testing. Allele origin: germline.

Ambry Genetics
Classification: Uncertain significance for Inborn genetic diseases. Last evaluated: 2022-04-25. Review status: criteria provided, single submitter. Criteria: Ambry Variant Classification Scheme 2023. Collection method: clinical testing. Allele origin: germline.

Genome Diagnostics Laboratory, The Hospital for Sick Children
Classification: Likely benign for Autoinflammatory syndrome. Last evaluated: 2021-12-21. Review status: criteria provided, single submitter. Criteria: ACMG Guidelines, 2015. Collection method: clinical testing. Allele origin: germline. Affected: yes.

Illumina Laboratory Services, Illumina
Classification: Benign for Familial cold autoinflammatory syndrome 2. Last evaluated: 2018-01-13. Review status: criteria provided, single submitter. Criteria: ICSL Variant Classification Criteria 13 December 2019. Collection method: clinical testing. Allele origin: germline.
Comment: This variant was observed in the ICSL laboratory as part of a predisposition screen in an ostensibly healthy population. It had not been previously curated by ICSL or reported in the Human Gene Mutation Database (HGMD: prior to June 1st, 2018), and was therefore a candidate for classification through an automated scoring system. Utilizing variant allele frequency, disease prevalence and penetrance estimates, and inheritance mode, an automated score was calculated to assess if this variant is too frequent to cause the disease. Based on the score and internal cut-off values, a variant classified as benign is not then subjected to further curation. The score for this variant resulted in a classification of benign for this disease.

PreventionGenetics, part of Exact Sciences
Classification: Likely benign for NLRP12-related condition. Last evaluated: 2019-11-04. Review status: no assertion criteria provided. Collection method: clinical testing. Allele origin: germline. Not counted in ClinVar's aggregate classification.
Comment: This variant is classified as likely benign based on ACMG/AMP sequence variant interpretation guidelines (Richards et al. 2015 PMID: 25741868, with internal and published modifications).

NM_144687.4(NLRP12):c.14C>A (p.Ala5Glu)

Gene: NLRP12 (NLR family pyrin domain containing 12; minus strand). Cytogenetic location: 19q13.42.
Variant type: single nucleotide variant.
Coding change: c.14C>A on transcript NM_144687.4 (MANE Select); coding-DNA position 14, C replaced by A.
Protein change: p.Ala5Glu; replaces alanine 5 with glutamic acid.
Molecular consequence: missense variant.
Genome position (GRCh38, 1-based): chr19:53,824,161, G>T on the plus strand (C>A on the coding strand, the complement: NLRP12 is on the minus strand). VCF-style: chr19-53824161-G-T. GRCh37 (hg19) VCF-style: chr19-54327415-G-T.
Other names: c.14C>A (NM_144687.2); c.14C>A, p.Ala5Glu (NM_001277126.2, NM_001277129.1); short protein forms A5E.
Identifiers: ClinVar variation 330048 (VCV000330048.29), dbSNP rs761545315, ClinGen allele CA9639861.
Genomic context (GRCh38, chr19:53,824,161, plus strand): 5'-AGTTCCACAGCCTCGAGTTCTTCCAAGTAGGTGGACAGGCGACAGAGGCCGTCCCTGCCT[G>T]CGGTTCGTAGCATGGGGGTGCCGTGAGCCCCAAAGGAGAGGACCTGGAGGCTGAGATGCT-3'
Protein context (NP_653288.1, residues 1-15): MLRT[Ala5Glu]GRDGLCRLST